The following is an entry in ClinVar:

NM_017763.6(RNF43):c.1231C>A (p.Pro411Thr)

Gene: RNF43 (ring finger protein 43; minus strand). Cytogenetic location: 17q22.
Variant type: single nucleotide variant.
Coding change: c.1231C>A on transcript NM_017763.6 (MANE Select); coding-DNA position 1231, C replaced by A.
Protein change: p.Pro411Thr; replaces proline 411 with threonine.
Molecular consequence: missense variant.
Genome position (GRCh38, 1-based): chr17:58,358,545, G>T on the plus strand (C>A on the coding strand, the complement: RNF43 is on the minus strand). VCF-style: chr17-58358545-G-T. GRCh37 (hg19) VCF-style: chr17-56435906-G-T.
Other names: c.1231C>A, p.Pro411Thr (NM_001305544.3); c.850C>A, p.Pro284Thr (NM_001305545.2); c.1231C>A (NM_017763.4); short protein forms P284T, P411T.
Identifiers: ClinVar variation 2874094 (VCV002874094.4), dbSNP rs2143419272, ClinGen allele CA400330798.

ClinVar aggregate classification (germline): Uncertain significance. Review status: criteria provided, multiple submitters, no conflicts (2 of 4 stars). 2 submissions from 2 submitters: Uncertain significance (2). Last evaluated 2025-08-20.

Submissions (2):

Ambry Genetics
Classification: Uncertain significance. Last evaluated: 2025-08-20. Review status: criteria provided, single submitter. Criteria: Ambry Variant Classification Scheme 2023. Collection method: clinical testing. Allele origin: germline.
Comment: The p.P411T variant (also known as c.1231C>A), located in coding exon 8 of the RNF43 gene, results from a C to A substitution at nucleotide position 1231. The proline at codon 411 is replaced by threonine, an amino acid with highly similar properties. This amino acid position is conserved. In addition, this alteration is predicted to be tolerated by in silico analysis. Based on the available evidence, the clinical significance of this variant remains unclear.

Labcorp Genetics (formerly Invitae), Labcorp
Classification: Uncertain significance. Last evaluated: 2023-09-09. Review status: criteria provided, single submitter. Criteria: Invitae Variant Classification Sherloc (09022015). Collection method: clinical testing. Allele origin: germline.
Comment: This variant is not present in population databases (gnomAD no frequency). In summary, the available evidence is currently insufficient to determine the role of this variant in disease. Therefore, it has been classified as a Variant of Uncertain Significance. An algorithm developed to predict the effect of missense changes on protein structure and function (PolyPhen-2) suggests that this variant is likely to be tolerated. This variant has not been reported in the literature in individuals affected with RNF43-related conditions. This sequence change replaces proline, which is neutral and non-polar, with threonine, which is neutral and polar, at codon 411 of the RNF43 protein (p.Pro411Thr).